The following is an entry in ClinVar:

NM_001257180.2(SLC20A2):c.56T>C (p.Ile19Thr)

Gene: SLC20A2 (solute carrier family 20 member 2; minus strand). Cytogenetic location: 8p11.21.
Variant type: single nucleotide variant.
Coding change: c.56T>C on transcript NM_001257180.2 (MANE Select); coding-DNA position 56, T replaced by C.
Protein change: p.Ile19Thr; replaces isoleucine 19 with threonine.
Molecular consequence: missense variant.
Genome position (GRCh38, 1-based): chr8:42,472,335, A>G on the plus strand (T>C on the coding strand, the complement: SLC20A2 is on the minus strand). VCF-style: chr8-42472335-A-G. GRCh37 (hg19) VCF-style: chr8-42329853-A-G.
Other names: c.56T>C, p.Ile19Thr (NM_001257181.2, NM_006749.5); c.56T>C (NM_006749.3); short protein forms I19T.
Identifiers: ClinVar variation 1329822 (VCV001329822.4), dbSNP rs1034887212, ClinGen allele CA176002546.

ClinVar aggregate classification (germline): Uncertain significance. Review status: criteria provided, multiple submitters, no conflicts (2 of 4 stars). 3 submissions from 3 submitters: Uncertain significance (3). Last evaluated 2025-04-04.

Conditions:
Idiopathic basal ganglia calcification 1 (PFBC1A). Also called: PRIMARY FAMILIAL BRAIN CALCIFICATION 1A, AUTOSOMAL DOMINANT; Fahr's syndrome; Cerebral calcification nonarteriosclerotic idiopathic adult-onset; Striopallidodentate calcinosis autosomal dominant adult-onset; Ferrocalcinosis, cerebrovascular; Fahr disease, familial (formerly). Identifiers: Orphanet 1980, MedGen C4551624, MONDO:0024538, OMIM 213600.
Inborn genetic diseases. Identifiers: MedGen C0950123, MeSH D030342.

Allele frequency attached by ClinVar (database versions not stated): gnomAD 0.00002; TOPMed below 0.00001; gnomAD exomes 0.00002.
gnomAD v4.1: 37 of 1,614,138 alleles (0.0023%); highest among the groups gnomAD compares: Non-Finnish European, 0.003%; no homozygotes.

Submissions (3):

Ambry Genetics
Classification: Uncertain significance for Inborn genetic diseases. Last evaluated: 2025-04-04. Review status: criteria provided, single submitter. Criteria: Ambry Variant Classification Scheme 2023. Collection method: clinical testing. Allele origin: germline.

Baylor Genetics
Classification: Uncertain significance for Idiopathic basal ganglia calcification 1. Last evaluated: 2024-02-15. Review status: criteria provided, single submitter. Criteria: ACMG Guidelines, 2015. Collection method: clinical testing. Allele origin: unknown.

GeneDx
Classification: Uncertain significance. Last evaluated: 2021-06-21. Review status: criteria provided, single submitter. Criteria: GeneDx Variant Classification Process June 2021. Collection method: clinical testing. Allele origin: germline. Affected: yes.
Comment: Not observed at significant frequency in large population cohorts (Lek et al., 2016); In silico analysis supports that this missense variant has a deleterious effect on protein structure/function; Has not been previously published as pathogenic or benign to our knowledge; This variant is associated with the following publications: (PMID: 27535533)